The following is an entry in ClinVar:

NM_020988.3(GNAO1):c.318G>C (p.Met106Ile)

Gene: GNAO1 (G protein subunit alpha o1; plus strand). Cytogenetic location: 16q13.
Variant type: single nucleotide variant.
Coding change: c.318G>C on transcript NM_020988.3 (MANE Select); coding-DNA position 318, G replaced by C.
Protein change: p.Met106Ile; replaces methionine 106 with isoleucine.
Molecular consequence: missense variant.
Genome position (GRCh38, 1-based): chr16:56,328,645, G>C. VCF-style: chr16-56328645-G-C. GRCh37 (hg19) VCF-style: chr16-56362557-G-C.
Other names: c.318G>C, p.Met106Ile (NM_138736.3); short protein forms M106I.
Identifiers: ClinVar variation 959425 (VCV000959425.11), dbSNP rs978834925, ClinGen allele CA281422513.

ClinVar aggregate classification (germline): Conflicting classifications of pathogenicity. Review status: criteria provided, conflicting classifications (1 of 4 stars). 2 submissions from 2 submitters: Uncertain significance (1); Likely benign (1). Last evaluated 2026-01-05.

Conditions:
Inborn genetic diseases. Identifiers: MedGen C0950123, MeSH D030342.
Early-infantile DEE. Also called: Ohtahara syndrome; Early infantile epileptic encephalopathy with suppression bursts; Early infantile epileptic encephalopathy. Identifiers: Orphanet 1934, MedGen C0393706, MONDO:0800491.

Allele frequency attached by ClinVar (database versions not stated): gnomAD exomes below 0.00001; gnomAD 0.00001; TOPMed 0.00001.

Submissions (2):

Ambry Genetics
Classification: Likely benign for Inborn genetic diseases. Last evaluated: 2026-01-05. Review status: criteria provided, single submitter. Criteria: Ambry Variant Classification Scheme 2023. Collection method: clinical testing. Allele origin: germline.

Labcorp Genetics (formerly Invitae), Labcorp
Classification: Uncertain significance for Early-infantile DEE. Last evaluated: 2024-08-13. Review status: criteria provided, single submitter. Criteria: Invitae Variant Classification Sherloc (09022015). Collection method: clinical testing. Allele origin: germline.
Comment: This sequence change replaces methionine, which is neutral and non-polar, with isoleucine, which is neutral and non-polar, at codon 106 of the GNAO1 protein (p.Met106Ile). This variant is present in population databases (no rsID available, gnomAD 0.008%). This variant has not been reported in the literature in individuals affected with GNAO1-related conditions. ClinVar contains an entry for this variant (Variation ID: 959425). Advanced modeling of protein sequence and biophysical properties (such as structural, functional, and spatial information, amino acid conservation, physicochemical variation, residue mobility, and thermodynamic stability) performed at Invitae indicates that this missense variant is not expected to disrupt GNAO1 protein function with a negative predictive value of 95%. In summary, the available evidence is currently insufficient to determine the role of this variant in disease. Therefore, it has been classified as a Variant of Uncertain Significance.